The following is an entry in ClinVar:

ClinVar aggregate classification (germline): Uncertain significance (1 of 4 stars; one submission).

Allele frequency attached by ClinVar (database versions not stated): gnomAD exomes 0.00001; TOPMed 0.00001.
gnomAD v4.1: 17 of 1,614,194 alleles (0.0011%); highest among the groups gnomAD compares: Admixed American, 0.028%; no homozygotes.

Submission:

Labcorp Genetics (formerly Invitae), Labcorp
Classification: Uncertain significance. Last evaluated: 2024-09-23. Review status: criteria provided, single submitter. Criteria: Invitae Variant Classification Sherloc (09022015). Collection method: clinical testing. Allele origin: germline.
Comment: This sequence change replaces glutamine, which is neutral and polar, with arginine, which is basic and polar, at codon 2347 of the KMT2C protein (p.Gln2347Arg). This variant is not present in population databases (gnomAD no frequency). This variant has not been reported in the literature in individuals affected with KMT2C-related conditions. ClinVar contains an entry for this variant (Variation ID: 1433042). Invitae Evidence Modeling of protein sequence and biophysical properties (such as structural, functional, and spatial information, amino acid conservation, physicochemical variation, residue mobility, and thermodynamic stability) indicates that this missense variant is not expected to disrupt KMT2C protein function with a negative predictive value of 80%. In summary, the available evidence is currently insufficient to determine the role of this variant in disease. Therefore, it has been classified as a Variant of Uncertain Significance.

NM_170606.3(KMT2C):c.7040A>G (p.Gln2347Arg)

Gene: KMT2C (lysine methyltransferase 2C; minus strand). Cytogenetic location: 7q36.1.
Variant type: single nucleotide variant.
Coding change: c.7040A>G on transcript NM_170606.3 (MANE Select); coding-DNA position 7040, A replaced by G.
Protein change: p.Gln2347Arg; replaces glutamine 2347 with arginine.
Molecular consequence: missense variant.
Genome position (GRCh38, 1-based): chr7:152,180,820, T>C on the plus strand (A>G on the coding strand, the complement: KMT2C is on the minus strand). VCF-style: chr7-152180820-T-C. GRCh37 (hg19) VCF-style: chr7-151877905-T-C.
Other names: short protein forms Q2347R.
Identifiers: ClinVar variation 1433042 (VCV001433042.8), dbSNP rs1238817126, ClinGen allele CA370090524.